The following is an entry in ClinVar:

NM_000018.4(ACADVL):c.1409del (p.Leu470fs)

Gene: ACADVL (acyl-CoA dehydrogenase very long chain; plus strand). Cytogenetic location: 17p13.1.
Variant type: Deletion.
Coding change: c.1409del on transcript NM_000018.4 (MANE Select); coding-DNA position 1409, one base deleted (T; older notation c.1409delT).
Protein change: p.Leu470fs; shifts the reading frame from leucine 470.
Molecular consequence: frameshift variant.
Genome position (GRCh38, 1-based): chr17:7,224,044, T deleted. VCF-style (leftmost placement, unchanged base first): chr17-7224043-CT-C. GRCh37 (hg19) VCF-style: chr17-7127362-CT-C.
Other names: NM_000018.4(ACADVL):c.1409del; p.Leu470fs; c.1343del, p.Leu448fs (NM_001033859.3); c.1478del, p.Leu493fs (NM_001270447.2); c.1181del, p.Leu394fs (NM_001270448.2); short protein forms L394fs, L470fs, L493fs, L448fs.
Identifiers: ClinVar variation 938242 (VCV000938242.9), dbSNP rs2071356603, ClinGen allele CA1139665152.
Genomic context (GRCh38, chr17:7,224,043, plus strand): 5'-CGTGTGCTCCGAGATCTTCGCATCTTCCGGATCTTTGAGGGGACAAATGACATTCTTCGG[CT>C]GTTTGTGGCTCTGCAGGGCTGTATGGTAAGACAGAGAATTGGGTGGGGGTAGAGGTGGGG-3'

ClinVar aggregate classification (germline): Likely pathogenic. Review status: reviewed by expert panel (3 of 4 stars). 2 submissions from 2 submitters: Likely pathogenic (1). 1 of the submissions does not count toward it. Last evaluated 2022-09-13.

Conditions:
Very long chain acyl-CoA dehydrogenase deficiency (ACADVLD). Also called: Very Long-Chain Acyl-Coenzyme A Dehydrogenase Deficiency; VLCAD Deficiency. Identifiers: Orphanet 26793, MedGen C3887523, MONDO:0008723, OMIM 201475.

Submissions (2):

ClinGen ACADVL Variant Curation Expert Panel, ClinGen
Classification: Likely pathogenic for Very long chain acyl-CoA dehydrogenase deficiency. Last evaluated: 2022-09-13. Review status: reviewed by expert panel. Criteria: clingen acadvl acmg specifications v1. Collection method: curation. Allele origin: germline. Inheritance: Autosomal recessive inheritance.
Comment: The c.1409del (p.Leu470Argfs*22) variant in ACADVL is a frameshift predicted to cause a premature stop codon in biologically relevant exon 14/20 leading to nonsense mediated decay in a gene in which loss-of-function is an established disease mechanism (PVS1: PMIDs 9328975, 11590124). To our knowledge, this variant has not been reported in the literature in any individuals with VLCADD. To our knowledge, functional assays have not been reported for this variant. PM2_Supporting is met. This variant is absent from gnomAD v2.1.1 (PM2_Supporting). In summary, this variant meets the criteria to be classified as LIKELY PATHOGENIC for autosomal recessive very long chain acyl-CoA dehydrogenase (VLCAD) deficiency based on the ACMG/AMP criteria applied, as specified by the ClinGen ACADVL Variant Curation Expert Panel: PVS1, PM2_Supporting, (ClinGen ACADVL VCEP specifications version#1.0; approved 08-08-22).

Labcorp Genetics (formerly Invitae), Labcorp
Classification: Pathogenic for Very long chain acyl-CoA dehydrogenase deficiency. Last evaluated: 2021-06-24. Review status: criteria provided, single submitter. Criteria: Invitae Variant Classification Sherloc (09022015). Collection method: clinical testing. Allele origin: germline. Not counted in ClinVar's aggregate classification.
Comment: For these reasons, this variant has been classified as Pathogenic. Loss-of-function variants in ACADVL are known to be pathogenic (PMID: 9973285, 11590124). This variant has not been reported in the literature in individuals with ACADVL-related conditions. This variant is not present in population databases (ExAC no frequency). This sequence change creates a premature translational stop signal (p.Leu470Argfs*22) in the ACADVL gene. It is expected to result in an absent or disrupted protein product.

Literature cited by the submitters: PubMed 9973285 (cited by Labcorp Genetics (formerly Invitae), Labcorp); PubMed 11590124 (cited by Labcorp Genetics (formerly Invitae), Labcorp).